The following is an entry in ClinVar:

NM_000548.5(TSC2):c.372_373insTTTTTTTTTTTTTTTTTTTTNNNNNNNNNNCTGACCTCGTGATCCGCCCGCCTCGGCCTCCCACAGTGCTGGGATTACAGGCGTGAGCCACCGCGCCCGGCCTAGAGCCCTCTTCTTT (p.Lys125delinsPhePhePhePhePhePheXaaXaaXaaXaaLeuThrSerTer)

Gene: TSC2 (TSC complex subunit 2; plus strand). Cytogenetic location: 16p13.3.
Variant type: Microsatellite.
Coding change: c.372_373insTTTTTTTTTTTTTTTTTTTTNNNNNNNNNNCTGACCTCGTGATCCGCCCGCCTCGGCCTCCCACAGTGCTGGGATTACAGGCGTGAGCCACCGCGCCCGGCCTAGAGCCCTCTTCTTT on transcript NM_000548.5 (MANE Select); coding-DNA positions 372 to 373, TTTTTTTTTTTTTTTTTTTTNNNNNNNNNNCTGACCTCGTGATCCGCCCGCCTCGGCCTCCCACAGTGCTGGGATTACAGGCGTGAGCCACCGCGCCCGGCCTAGAGCCCTCTTCTTT inserted.
Protein change: p.Lys125delinsPhePhePhePhePhePheXaaXaaXaaXaaLeuThrSerTer.
Molecular consequence: nonsense. On other transcripts: intron variant (1).
Genome position: GRCh38: chr16:2,054,317-2,054,331. GRCh37 (hg19): chr16:2,104,318-2,104,332.
Other names: c.372_373insTTTTTTTTTTTTTTTTTTTTNNNNNNNNNNCTGACCTCGTGATCCGCCCGCCTCGGCCTCCCACAGTGCTGGGATTACAGGCGTGAGCCACCGCGCCCGGCCTAGAGCCCTCTTCTTT, p.Lys125delinsPhePhePhePhePhePheXaaXaaXaaXaaLeuThrSerTer (NM_001077183.3, NM_001114382.3, NM_001363528.2 and 3 more transcripts); c.261_262insTTTTTTTTTTTTTTTTTTTTNNNNNNNNNNCTGACCTCGTGATCCGCCCGCCTCGGCCTCCCACAGTGCTGGGATTACAGGCGTGAGCCACCGCGCCCGGCCTAGAGCCCTCTTCTTT, p.Lys88delinsPhePhePhePhePhePheXaaXaaXaaXaaLeuThrSerTer (NM_001318827.2); c.225_226insTTTTTTTTTTTTTTTTTTTTNNNNNNNNNNCTGACCTCGTGATCCGCCCGCCTCGGCCTCCCACAGTGCTGGGATTACAGGCGTGAGCCACCGCGCCCGGCCTAGAGCCCTCTTCTTT, p.Lys76delinsPhePhePhePhePhePheXaaXaaXaaXaaLeuThrSerTer (NM_001318829.2); c.405_406insTTTTTTTTTTTTTTTTTTTTNNNNNNNNNNCTGACCTCGTGATCCGCCCGCCTCGGCCTCCCACAGTGCTGGGATTACAGGCGTGAGCCACCGCGCCCGGCCTAGAGCCCTCTTCTTT, p.Lys136delinsPhePhePhePhePhePheXaaXaaXaaXaaLeuThrSerTer (NM_001318832.2); c.-1-1865_-1-1864insTTTTTTTTTTTTTTTTTTTTNNNNNNNNNNCTGACCTCGTGATCCGCCCGCCTCGGCCTCCCACAGTGCTGGGATTACAGGCGTGAGCCACCGCGCCCGGCCTAGAGCCCTCTTCTTT (NM_001318831.2).
Identifiers: ClinVar variation 1385761 (VCV001385761.6).

ClinVar aggregate classification (germline): Pathogenic (1 of 4 stars; one submission).

Conditions:
Tuberous sclerosis 2 (TSC2). Identifiers: Orphanet 805, MedGen C1860707, MONDO:0013199, OMIM 613254.

Submission:

Labcorp Genetics (formerly Invitae), Labcorp
Classification: Pathogenic for Tuberous sclerosis 2. Last evaluated: 2021-09-19. Review status: criteria provided, single submitter. Criteria: Invitae Variant Classification Sherloc (09022015). Collection method: clinical testing. Allele origin: germline.
Comment: This variant has not been reported in the literature in individuals affected with TSC2-related conditions. This variant is not present in population databases (ExAC no frequency). This sequence change inserts a large fragment of DNA, likely a transposable element, in exon 5 of the TSC2 gene (c.372_373ins?), causing a frameshift at codon 125 (p.Lys125fs). The exact size and sequence of the insertion cannot be determined by the current assay. However, the insertion is expected to result in an absent or disrupted protein product. Algorithms developed to predict the effect of sequence changes on RNA splicing suggest that this variant may create or strengthen a splice site. For these reasons, this variant has been classified as Pathogenic. Retrotransposon insertions including LINE1 (L1), Alu, and SVA (SINE-VNTR-Alu) have been reported to be disease-causing through disruption of either a coding region or splice site (PMID: 19763152, 20307669, 22406018) and loss-of-function variants in TSC2 are known to be pathogenic (PMID: 10205261, 17304050).

Literature cited by the submitters: PubMed 19763152; PubMed 20307669; PubMed 22406018; PubMed 10205261; PubMed 17304050.